The following is an entry in ClinVar:

ClinVar aggregate classification (germline): Conflicting classifications of pathogenicity. Review status: criteria provided, conflicting classifications (1 of 4 stars). 3 submissions from 3 submitters: Pathogenic (1); Likely pathogenic (1); Uncertain significance (1). Last evaluated 2024-02-25.

Conditions:
Congenital heart defects, dysmorphic facial features, and intellectual developmental disorder (CHDFIDD). Identifiers: Orphanet 646278, MedGen C4479246, MONDO:0044302, OMIM 617360.

Allele frequency attached by ClinVar (database versions not stated): gnomAD exomes below 0.00001.
gnomAD v4.1: 1 of 1,607,444 alleles (0.000062%); highest among the groups gnomAD compares: Non-Finnish European, 0.000085%; no homozygotes.

Submissions (3):

GeneDx
Classification: Pathogenic. Last evaluated: 2024-02-25. Review status: criteria provided, single submitter. Criteria: GeneDx Variant Classification Process June 2021. Collection method: clinical testing. Allele origin: germline. Affected: yes.
Comment: Not observed at significant frequency in large population cohorts (gnomAD); In silico analysis supports that this missense variant has a deleterious effect on protein structure/function; Has not been previously published as pathogenic or benign to our knowledge

Molecular Genetics, Royal Melbourne Hospital
Classification: Likely pathogenic for Congenital heart defects, dysmorphic facial features, and intellectual developmental disorder. Last evaluated: 2023-03-30. Review status: criteria provided, single submitter. Criteria: ACMG Guidelines, 2015. Collection method: clinical testing. Allele origin: germline. Affected: yes.
Comment: This sequence change in CDK13 is predicted to replace arginine with glutamine at codon 868, p.(Arg868Gln). The arginine residue is highly conserved (100 vertebrates, UCSC), and is located in the protein kinase domain, a region (amino acids 705-998), that is defined as a mutational hotspot and critical functional domain (PMID: 29021403). There is a small physicochemical difference between arginine and glutamine. This variant is absent from gnomAD v2.1 and v3.1. This variant has been reported in at least two probands with a consistent intellectual developmental disorder phenotype (ClinVar: SCV002026420.1; Royal Melbourne Hospital). At least one patient with this variant displayed dysmorphic facial features and other features highly characteristic of CDK13-related disorder (PMID:30702837; Royal Melbourne Hospital). Multiple lines of computational evidence have conflicting predictions for the missense substitution (3/5 algorithms predict deleterious). Based on the classification scheme RMH Modified ACMG Guidelines v1.5.1, this variant is classified as LIKELY PATHOGENIC. Following criteria are met: PM1, PP4_Moderate, PS4_Supporting, PM2_Supporting.

Institute of Human Genetics, University of Leipzig Medical Center
Classification: Uncertain significance for Congenital heart defects, dysmorphic facial features, and intellectual developmental disorder. Last evaluated: 2021-10-19. Review status: criteria provided, single submitter. Criteria: ACMG Guidelines, 2015. Collection method: clinical testing. Allele origin: unknown. Affected: yes.

Literature cited by the submitters: PubMed 29021403 (cited by Molecular Genetics, Royal Melbourne Hospital); PubMed 30702837 (cited by Molecular Genetics, Royal Melbourne Hospital).

NM_003718.5(CDK13):c.2603G>A (p.Arg868Gln)

Gene: CDK13 (cyclin dependent kinase 13; plus strand). Cytogenetic location: 7p14.1.
Variant type: single nucleotide variant.
Coding change: c.2603G>A on transcript NM_003718.5 (MANE Select); coding-DNA position 2603, G replaced by A.
Protein change: p.Arg868Gln; replaces arginine 868 with glutamine.
Molecular consequence: missense variant.
Genome position (GRCh38, 1-based): chr7:40,062,828, G>A. VCF-style: chr7-40062828-G-A. GRCh37 (hg19) VCF-style: chr7-40102427-G-A.
Other names: c.2603G>A (NM_003718.4); c.2603G>A, p.Arg868Gln (NM_031267.4); short protein forms R868Q.
Identifiers: ClinVar variation 1325853 (VCV001325853.3), dbSNP rs1786184821, ClinGen allele CA367285258.